The following is an entry in ClinVar:

NM_006766.5(KAT6A):c.6011G>C (p.Arg2004Thr)

Gene: KAT6A (lysine acetyltransferase 6A; minus strand). Cytogenetic location: 8p11.21.
Variant type: single nucleotide variant.
Coding change: c.6011G>C on transcript NM_006766.5 (MANE Select); coding-DNA position 6011, G replaced by C.
Protein change: p.Arg2004Thr; replaces arginine 2004 with threonine.
Molecular consequence: missense variant.
Genome position (GRCh38, 1-based): chr8:41,932,209, C>G on the plus strand (G>C on the coding strand, the complement: KAT6A is on the minus strand). VCF-style: chr8-41932209-C-G. GRCh37 (hg19) VCF-style: chr8-41789727-C-G.
Other names: short protein forms R2004T.
Identifiers: ClinVar variation 2818618 (VCV002818618.3), dbSNP rs2486749765, ClinGen allele CA371058509.

ClinVar aggregate classification (germline): Uncertain significance (1 of 4 stars; one submission).

Submission:

Labcorp Genetics (formerly Invitae), Labcorp
Classification: Uncertain significance. Last evaluated: 2023-02-22. Review status: criteria provided, single submitter. Criteria: Invitae Variant Classification Sherloc (09022015). Collection method: clinical testing. Allele origin: germline.
Comment: In summary, the available evidence is currently insufficient to determine the role of this variant in disease. Therefore, it has been classified as a Variant of Uncertain Significance. Experimental studies and prediction algorithms are not available or were not evaluated, and the functional significance of this variant is currently unknown. This variant has not been reported in the literature in individuals affected with KAT6A-related conditions. This variant is not present in population databases (gnomAD no frequency). This sequence change replaces arginine, which is basic and polar, with threonine, which is neutral and polar, at codon 2004 of the KAT6A protein (p.Arg2004Thr).